The following is an entry in ClinVar:

ClinVar aggregate classification (germline): Benign. Review status: criteria provided, multiple submitters, no conflicts (2 of 4 stars). 3 submissions from 3 submitters: Benign (2). 1 of the submissions does not count toward it. Last evaluated 2018-12-13.

Conditions:
CNTNAP5-related disorder. Also called: CNTNAP5-related condition.

Allele frequency attached by ClinVar (database versions not stated): gnomAD exomes 0.00151; ExAC 0.00192; ESP Exome Variant Server 0.00613; gnomAD 0.00655 and 0.00705; TOPMed 0.00726; 1000 Genomes Project 0.00819; 1000 Genomes Project 30x 0.00843.
gnomAD v4.1: 2,018 of 1,613,630 alleles (0.13%); highest among the groups gnomAD compares: African/African-American, 2.4%; 35 homozygotes.

Submissions (3):

Labcorp Genetics (formerly Invitae), Labcorp
Classification: Benign. Last evaluated: 2018-12-13. Review status: criteria provided, single submitter. Criteria: Invitae Variant Classification Sherloc (09022015). Collection method: clinical testing. Allele origin: germline.

Breakthrough Genomics
Classification: Benign. Review status: criteria provided, single submitter. Criteria: ACMG Guidelines, 2015. Collection method: not provided. Allele origin: germline. Inheritance: Unknown mechanism. Affected: yes.

PreventionGenetics, part of Exact Sciences
Classification: Benign for CNTNAP5-related condition. Last evaluated: 2019-02-18. Review status: no assertion criteria provided. Collection method: clinical testing. Allele origin: germline. Not counted in ClinVar's aggregate classification.
Comment: This variant is classified as benign based on ACMG/AMP sequence variant interpretation guidelines (Richards et al. 2015 PMID: 25741868, with internal and published modifications).

NM_001367498.1(CNTNAP5):c.1328-7C>T

Gene: CNTNAP5 (contactin associated protein family member 5; plus strand). Cytogenetic location: 2q14.3.
Variant type: single nucleotide variant.
Coding change: c.1328-7C>T on transcript NM_001367498.1 (MANE Select); 7 bases into the intron before coding-DNA position 1328, C replaced by T.
Molecular consequence: intron variant.
Genome position (GRCh38, 1-based): chr2:124,524,296, C>T. VCF-style: chr2-124524296-C-T. GRCh37 (hg19) VCF-style: chr2-125281873-C-T.
Other names: c.1325-7C>T (NM_130773.4).
Identifiers: ClinVar variation 789966 (VCV000789966.6), dbSNP rs7584392, ClinGen allele CA1855841.